The following is an entry in ClinVar:

ClinVar aggregate classification (germline): Uncertain significance (1 of 4 stars; one submission).

Submission:

GeneDx
Classification: Uncertain significance. Last evaluated: 2024-06-18. Review status: criteria provided, single submitter. Criteria: GeneDx Variant Classification Process June 2021. Collection method: clinical testing. Allele origin: germline. Affected: yes.
Comment: Not observed in large population cohorts (gnomAD); In silico analysis supports that this missense variant does not alter protein structure/function; Has not been previously published as pathogenic or benign to our knowledge

NM_006516.4(SLC2A1):c.775A>C (p.Ile259Leu)

Gene: SLC2A1 (solute carrier family 2 member 1; minus strand). Cytogenetic location: 1p34.2.
Variant type: single nucleotide variant.
Coding change: c.775A>C on transcript NM_006516.4 (MANE Select); coding-DNA position 775, A replaced by C.
Protein change: p.Ile259Leu; replaces isoleucine 259 with leucine.
Molecular consequence: missense variant.
Genome position (GRCh38, 1-based): chr1:42,929,685, T>G on the plus strand (A>C on the coding strand, the complement: SLC2A1 is on the minus strand). VCF-style: chr1-42929685-T-G. GRCh37 (hg19) VCF-style: chr1-43395356-T-G.
Other names: short protein forms I259L.
Identifiers: ClinVar variation 3391485 (VCV003391485.1).
Genomic context (GRCh38, chr1:42,929,685, plus strand): 5'-GCAGCACCACAGCGATGAGGATGGGCTGGCGGTAGGCGGGGGAGCGGAACAGCTCCAGGA[T>G]GGTGACCTTCTTCTCCCGCATCATCTGCCGACTCTCTTCCTTCATCTCCTGCAGGTCATG-3'
Protein context (NP_006507.2, residues 249-269): RQMMREKKVT[Ile259Leu]LELFRSPAYR